The following is an entry in ClinVar:

NM_020919.4(ALS2):c.1908T>C (p.Tyr636=)

Gene: ALS2 (alsin Rho guanine nucleotide exchange factor ALS2; minus strand). Cytogenetic location: 2q33.1.
Variant type: single nucleotide variant.
Coding change: c.1908T>C on transcript NM_020919.4 (MANE Select); coding-DNA position 1908, T replaced by C.
Protein change: p.Tyr636=; no amino-acid change (tyrosine 636 retained).
Molecular consequence: synonymous variant.
Genome position (GRCh38, 1-based): chr2:201,746,656, A>G on the plus strand (T>C on the coding strand, the complement: ALS2 is on the minus strand). VCF-style: chr2-201746656-A-G. GRCh37 (hg19) VCF-style: chr2-202611379-A-G.
Other names: c.1908T>C, p.Tyr636= (NM_001410975.1).
Identifiers: ClinVar variation 3771168 (VCV003771168.13).

ClinVar aggregate classification (germline): Uncertain significance (1 of 4 stars; one submission).

gnomAD v4.1: 4 of 1,614,134 alleles (0.00025%); highest among the groups gnomAD compares: Non-Finnish European, 0.00034%; no homozygotes.

Submission:

CeGaT Center for Human Genetics Tuebingen
Classification: Uncertain significance. Last evaluated: 2025-02-01. Review status: criteria provided, single submitter. Criteria: CeGaT Center For Human Genetics Tuebingen Variant Classification Criteria Version 2. Collection method: clinical testing. Allele origin: germline. Affected: yes. Observed: 1 variant allele.
Comment: ALS2: PM2, BP4